The following is an entry in ClinVar:

ClinVar aggregate classification (germline): Uncertain significance (0 of 4 stars; one submission).

Conditions:
KIDINS220-related disorder. Also called: KIDINS220-related condition.

gnomAD v4.1: 23 of 1,577,568 alleles (0.0015%); highest among the groups gnomAD compares: Middle Eastern, 0.017%; no homozygotes.

Submission:

PreventionGenetics, part of Exact Sciences
Classification: Uncertain significance for KIDINS220-related condition. Last evaluated: 2024-07-24. Review status: no assertion criteria provided. Collection method: clinical testing. Allele origin: germline.
Comment: The KIDINS220 c.3013A>G variant is predicted to result in the amino acid substitution p.Ile1005Val. To our knowledge, this variant has not been reported in the literature. This variant is reported in 0.0018% of alleles in individuals of European (Non-Finnish) descent in gnomAD. At this time, the clinical significance of this variant is uncertain due to the absence of conclusive functional and genetic evidence.

NM_020738.4(KIDINS220):c.3013A>G (p.Ile1005Val)

Gene: KIDINS220 (kinase D interacting substrate 220; minus strand). Cytogenetic location: 2p25.1.
Variant type: single nucleotide variant.
Coding change: c.3013A>G on transcript NM_020738.4 (MANE Select); coding-DNA position 3013, A replaced by G.
Protein change: p.Ile1005Val; replaces isoleucine 1005 with valine.
Molecular consequence: missense variant. On other transcripts: non-coding transcript variant (2).
Genome position (GRCh38, 1-based): chr2:8,751,643, T>C on the plus strand (A>G on the coding strand, the complement: KIDINS220 is on the minus strand). VCF-style: chr2-8751643-T-C. GRCh37 (hg19) VCF-style: chr2-8891773-T-C.
Other names: c.3016A>G, p.Ile1006Val (NM_001348729.2, NM_001348731.2, NM_001348734.2 and 2 more transcripts); c.3013A>G, p.Ile1005Val (NM_001348732.2, NM_001348735.2, NM_001348738.2 and 3 more transcripts); c.2887A>G, p.Ile963Val (NM_001348736.2); short protein forms I1005V, I1006V, I963V.
Identifiers: ClinVar variation 3350641 (VCV003350641.1).